The following is an entry in ClinVar:

ClinVar aggregate classification (germline): Pathogenic/Likely pathogenic. Review status: criteria provided, multiple submitters, no conflicts (2 of 4 stars). 2 submissions from 2 submitters: Pathogenic (1); Likely pathogenic (1). Last evaluated 2025-09-26.

Conditions:
Metachromatic leukodystrophy (MLD). Also called: Cerebral sclerosis diffuse metachromatic form; Arylsulfatase A Deficiency; ARSA DEFICIENCY; CEREBROSIDE SULFATASE DEFICIENCY; METACHROMATIC LEUKOENCEPHALOPATHY; SULFATIDE LIPIDOSIS. Identifiers: Orphanet 512, MedGen C0023522, MONDO:0018868, OMIM 250100.

Submissions (2):

3billion
Classification: Likely pathogenic for Metachromatic leukodystrophy. Last evaluated: 2025-09-26. Review status: criteria provided, single submitter. Criteria: ACMG Guidelines, 2015. Collection method: clinical testing. Allele origin: germline. Affected: yes.
Comment: The variant is not observed in the gnomAD v4.1.0 dataset. Predicted Consequence/Location: Stop-gained (nonsense): predicted to result in a loss or disruption of normal protein function through protein truncation. The predicted truncated protein may be shortened by more than 10%. The variant has been reported to be associated with ARSA-related disorder (ClinVar ID: VCV000800502 /PMID: 33185815). Therefore, this variant is classified as Likely pathogenic according to the recommendation of ACMG/AMP guideline.

Medical Molecular Genetics Department, National Research Center
Classification: Pathogenic for Metachromatic leukodystrophy. Review status: criteria provided, single submitter. Criteria: ACMG Guidelines, 2015. Collection method: clinical testing. Allele origin: inherited. Affected: yes.

Literature cited by the submitters: PubMed 33185815 (cited by 3billion).

NM_000487.6(ARSA):c.1366C>T (p.Gln456Ter)

Gene: ARSA (arylsulfatase A; minus strand). Cytogenetic location: 22q13.33.
Variant type: single nucleotide variant.
Coding change: c.1366C>T on transcript NM_000487.6 (MANE Select); coding-DNA position 1366, C replaced by T.
Protein change: p.Gln456Ter; replaces glutamine 456 with a stop codon.
Molecular consequence: nonsense.
Genome position (GRCh38, 1-based): chr22:50,625,309, G>A on the plus strand (C>T on the coding strand, the complement: ARSA is on the minus strand). VCF-style: chr22-50625309-G-A. GRCh37 (hg19) VCF-style: chr22-51063737-G-A.
Other names: c.1366C>T, p.Gln456Ter (NM_001085425.3, NM_001085426.3, NM_001085427.3); c.1108C>T, p.Gln370Ter (NM_001085428.3, NM_001362782.2); short protein forms Q456*, Q370*.
Identifiers: ClinVar variation 800502 (VCV000800502.2), dbSNP rs2082644196, ClinGen allele CA412168178.
Genomic context (GRCh38, chr22:50,625,309, plus strand): 5'-GGCCGAAGGTCACAGCTGCGTCTAACTGGGCCTTGAGCAGCTGAAGCTGTTTCAGGGCTT[G>A]CAGCACCTCTGGGGTGGCCCCGGCCACACCCCCCAGCAGGTTGTAGTTCTCACCAGGGTC-3'